The following is an entry in ClinVar:

ClinVar aggregate classification (germline): Uncertain significance. Review status: criteria provided, multiple submitters, no conflicts (2 of 4 stars). 2 submissions from 2 submitters: Uncertain significance (2). Last evaluated 2025-04-10.

Conditions:
Epilepsy, familial focal, with variable foci 3 (FFEVF3). Identifiers: MedGen C4310708, MONDO:0014925, OMIM 617118.

Allele frequency attached by ClinVar (database versions not stated): gnomAD 0.00004 and 0.00006; gnomAD exomes 0.00004; TOPMed 0.00004; ExAC 0.00006; 1000 Genomes Project 30x 0.00016; 1000 Genomes Project 0.00020.
gnomAD v4.1: 68 of 1,595,904 alleles (0.0043%); highest among the groups gnomAD compares: Admixed American, 0.0052%; no homozygotes.

Submissions (2):

Labcorp Genetics (formerly Invitae), Labcorp
Classification: Uncertain significance for Epilepsy, familial focal, with variable foci 3. Last evaluated: 2025-04-10. Review status: criteria provided, single submitter. Criteria: Invitae Variant Classification Sherloc (09022015). Collection method: clinical testing. Allele origin: germline.
Comment: This sequence change replaces arginine, which is basic and polar, with cysteine, which is neutral and slightly polar, at codon 437 of the NPRL3 protein (p.Arg437Cys). This variant is present in population databases (rs530150587, gnomAD 0.01%). This variant has not been reported in the literature in individuals affected with NPRL3-related conditions. ClinVar contains an entry for this variant (Variation ID: 850957). Invitae Evidence Modeling of protein sequence and biophysical properties (such as structural, functional, and spatial information, amino acid conservation, physicochemical variation, residue mobility, and thermodynamic stability) indicates that this missense variant is not expected to disrupt NPRL3 protein function with a negative predictive value of 80%. In summary, the available evidence is currently insufficient to determine the role of this variant in disease. Therefore, it has been classified as a Variant of Uncertain Significance.

Neuberg Centre For Genomic Medicine, NCGM
Classification: Uncertain significance for Epilepsy, familial focal, with variable foci 3. Review status: criteria provided, single submitter. Criteria: ACMG Guidelines, 2015. Collection method: clinical testing. Allele origin: germline. Inheritance: Autosomal dominant inheritance. Affected: yes.
Comment: The missense c.1309C>T p.Arg437Cys variant in NPRL3 gene has not been reported previously as a pathogenic variant nor as a benign variant, to our knowledge. The p.Arg437Cys variant is reported with allele frequency of 0.004% in gnomAD Exomes. This variant has been reported to the ClinVar database as Uncertain Significance. The amino acid change p.Arg437Cys in NPRL3 is predicted as conserved by GERP++ and PhyloP across 100 vertebrates. The amino acid Arg at position 437 is changed to a Cys changing protein sequence and it might alter its composition and physico-chemical properties. For these reasons, this variant has been classified as a Variant of Uncertain Significance VUS.

NM_001077350.3(NPRL3):c.1309C>T (p.Arg437Cys)

Genes: HBA-LCR (alpha-globin locus control region; plus strand), NPRL3 (NPR3 like, GATOR1 complex subunit; minus strand). Cytogenetic location: 16p13.3.
Variant type: single nucleotide variant.
Coding change: c.1309C>T on transcript NM_001077350.3 (MANE Select); coding-DNA position 1309, C replaced by T.
Protein change: p.Arg437Cys; replaces arginine 437 with cysteine.
Molecular consequence: missense variant.
Genome position (GRCh38, 1-based): chr16:89,755, G>A on the plus strand (C>T on the coding strand, the complement: NPRL3 is on the minus strand). VCF-style: chr16-89755-G-A. GRCh37 (hg19) VCF-style: chr16-139753-G-A.
Other names: c.772C>T, p.Arg258Cys (NM_001039476.3); c.1075C>T, p.Arg359Cys (NM_001243247.2); c.1234C>T, p.Arg412Cys (NM_001243248.2, NM_001243249.2); short protein forms R412C, R437C, R258C, R359C.
Identifiers: ClinVar variation 850957 (VCV000850957.11), dbSNP rs530150587, ClinGen allele CA7769376.
Genomic context (GRCh38, chr16:89,755, plus strand): 5'-GTGCCCTGGGGGTCCTACTTGGGGAGCCAAAGCTGAGGGCGTTGGGCGTGCTGAGGCTGC[G>A]ACCGCCGACCCGGGCAGTGAAGGGGACGTCGTCCTCTCGCGGACGGGGCTCCTCCTCGCT-3'
Protein context (NP_001070818.1, residues 427-447): DVPFTARVGG[Arg437Cys]SLSTPNALSF